The following is an entry in ClinVar:

ClinVar aggregate classification (germline): Benign. Review status: criteria provided, single submitter (1 of 4 stars). 2 submissions from 2 submitters: Benign (1). 1 of the submissions does not count toward it. Last evaluated 2018-01-12.

Conditions:
Polydactyly of a triphalangeal thumb. Also called: POLYDACTYLY OF TRIPHALANGEAL THUMB; TRIPHALANGEAL THUMB-POLYDACTYLY SYNDROME; Polydactyly, preaxial type II. Identifiers: Orphanet 2439, Orphanet 2950, Orphanet 93336, MedGen C1868114, MONDO:0008270, OMIM 174500.
LMBR1-related disorder. Also called: LMBR1-related condition.

Allele frequency attached by ClinVar (database versions not stated): gnomAD exomes 0.00007 and 0.00017; ESP Exome Variant Server 0.00008; gnomAD 0.00011 and 0.00014; ExAC 0.00016; TOPMed 0.00016; 1000 Genomes Project 0.00020; 1000 Genomes Project 30x 0.00031.
gnomAD v4.1: 139 of 1,588,984 alleles (0.0087%); highest among the groups gnomAD compares: East Asian, 0.13%; no homozygotes.

Submissions (2):

Illumina Laboratory Services, Illumina
Classification: Benign for Polydactyly of a triphalangeal thumb. Last evaluated: 2018-01-12. Review status: criteria provided, single submitter. Criteria: ICSL Variant Classification Criteria 13 December 2019. Collection method: clinical testing. Allele origin: germline.
Comment: This variant was observed in the ICSL laboratory as part of a predisposition screen in an ostensibly healthy population. It had not been previously curated by ICSL or reported in the Human Gene Mutation Database (HGMD: prior to June 1st, 2018), and was therefore a candidate for classification through an automated scoring system. Utilizing variant allele frequency, disease prevalence and penetrance estimates, and inheritance mode, an automated score was calculated to assess if this variant is too frequent to cause the disease. Based on the score and internal cut-off values, a variant classified as benign is not then subjected to further curation. The score for this variant resulted in a classification of benign for this disease.

PreventionGenetics, part of Exact Sciences
Classification: Likely benign for LMBR1-related condition. Last evaluated: 2019-03-07. Review status: no assertion criteria provided. Collection method: clinical testing. Allele origin: germline. Not counted in ClinVar's aggregate classification.
Comment: This variant is classified as likely benign based on ACMG/AMP sequence variant interpretation guidelines (Richards et al. 2015 PMID: 25741868, with internal and published modifications).

NM_022458.4(LMBR1):c.432A>G (p.Arg144=)

Gene: LMBR1 (limb development membrane protein 1; minus strand). Cytogenetic location: 7q36.3.
Variant type: single nucleotide variant.
Coding change: c.432A>G on transcript NM_022458.4 (MANE Select); coding-DNA position 432, A replaced by G.
Protein change: p.Arg144=; no amino-acid change (arginine 144 retained).
Molecular consequence: synonymous variant. On other transcripts: 5 prime UTR variant (4), non-coding transcript variant (2).
Genome position (GRCh38, 1-based): chr7:156,763,787, T>C on the plus strand (A>G on the coding strand, the complement: LMBR1 is on the minus strand). VCF-style: chr7-156763787-T-C. GRCh37 (hg19) VCF-style: chr7-156556481-T-C.
Other names: c.432A>G, p.Arg144= (NM_001350953.2, NM_001363409.2, NM_001363410.2); c.153A>G, p.Arg51= (NM_001350954.2); c.-25A>G (NM_001350955.2, NM_001350956.2, NM_001350958.2 and 1 more transcripts); c.63A>G, p.Arg21= (NM_001350957.2, NM_001363411.2); c.369A>G, p.Arg123= (NM_001363412.2).
Identifiers: ClinVar variation 359433 (VCV000359433.7), dbSNP rs141871054, ClinGen allele CA4588117.